The following is an entry in ClinVar:

ClinVar aggregate classification (germline): Uncertain significance (1 of 4 stars; one submission).

Conditions:
Cardiovascular phenotype. Identifiers: MedGen CN230736.

Submission:

Ambry Genetics
Classification: Uncertain significance for Cardiovascular phenotype. Last evaluated: 2025-12-16. Review status: criteria provided, single submitter. Criteria: Ambry Variant Classification Scheme 2023. Collection method: clinical testing. Allele origin: germline.
Comment: The p.M628V variant (also known as c.1882A>G), located in coding exon 36 of the TRDN gene, results from an A to G substitution at nucleotide position 1882. The methionine at codon 628 is replaced by valine, an amino acid with highly similar properties. This amino acid position is conserved. In addition, this alteration is predicted to be tolerated by in silico analysis. Since supporting evidence is limited at this time, the clinical significance of this alteration remains unclear.

NM_006073.4(TRDN):c.1882A>G (p.Met628Val)

Gene: TRDN (triadin; minus strand). Cytogenetic location: 6q22.31.
Variant type: single nucleotide variant.
Coding change: c.1882A>G on transcript NM_006073.4 (MANE Select); coding-DNA position 1882, A replaced by G.
Protein change: p.Met628Val; replaces methionine 628 with valine.
Molecular consequence: missense variant.
Genome position (GRCh38, 1-based): chr6:123,255,891, T>C on the plus strand (A>G on the coding strand, the complement: TRDN is on the minus strand). VCF-style: chr6-123255891-T-C. GRCh37 (hg19) VCF-style: chr6-123577036-T-C.
Other names: short protein forms M628V.
Identifiers: ClinVar variation 1781911 (VCV001781911.3), dbSNP rs2533513118, ClinGen allele CA365562353.